The following is an entry in ClinVar:

NM_015102.5(NPHP4):c.248_250del (p.Lys83del)

Gene: NPHP4 (nephrocystin 4; minus strand). Cytogenetic location: 1p36.31.
Variant type: Deletion.
Coding change: c.248_250del on transcript NM_015102.5 (MANE Select); coding-DNA positions 248 to 250, 3 bases deleted (AGA; older notation c.248_250delAGA).
Protein change: p.Lys83del; deletes lysine 83.
Molecular consequence: inframe deletion. On other transcripts: 5 prime UTR variant (1), non-coding transcript variant (1), intron variant (1).
Genome position (GRCh38, 1-based): chr1:5,978,299-5,978,301, TCT deleted on the plus strand (AGA on the coding strand, the reverse complement: NPHP4 is on the minus strand); deleting any 3 consecutive bases within chr1:5,978,299-5,978,303 gives the same sequence; the c. name uses the placement nearest the transcript's 3' end. VCF-style (leftmost placement, unchanged base first): chr1-5978298-CTCT-C. GRCh37 (hg19) VCF-style: chr1-6038358-CTCT-C.
Other names: c.-982_-980del (NM_001291593.2); c.-1087-9042_-1087-9040del (NM_001291594.2); short protein forms K83del.
Identifiers: ClinVar variation 1935618 (VCV001935618.5), dbSNP rs1429611570, ClinGen allele CA520735097.

ClinVar aggregate classification (germline): Uncertain significance (1 of 4 stars; one submission).

Conditions:
Nephronophthisis. Also called: Juvenile Nephronophthisis. Identifiers: Orphanet 655, MedGen C0687120, MONDO:0019005, HP:0000090.

Submission:

Labcorp Genetics (formerly Invitae), Labcorp
Classification: Uncertain significance for Nephronophthisis. Last evaluated: 2021-12-21. Review status: criteria provided, single submitter. Criteria: Invitae Variant Classification Sherloc (09022015). Collection method: clinical testing. Allele origin: germline.
Comment: This variant, c.248_250del, results in the deletion of 1 amino acid(s) of the NPHP4 protein (p.Lys83del), but otherwise preserves the integrity of the reading frame. In summary, the available evidence is currently insufficient to determine the role of this variant in disease. Therefore, it has been classified as a Variant of Uncertain Significance. Experimental studies and prediction algorithms are not available or were not evaluated, and the functional significance of this variant is currently unknown. This variant has not been reported in the literature in individuals affected with NPHP4-related conditions. This variant is present in population databases (no rsID available, gnomAD 0.0009%).